The following is an entry in ClinVar:

NM_020937.4(FANCM):c.655G>A (p.Ala219Thr)

Gene: FANCM (FA complementation group M; plus strand). Cytogenetic location: 14q21.2.
Variant type: single nucleotide variant.
Coding change: c.655G>A on transcript NM_020937.4 (MANE Select); coding-DNA position 655, G replaced by A.
Protein change: p.Ala219Thr; replaces alanine 219 with threonine.
Molecular consequence: missense variant.
Genome position (GRCh38, 1-based): chr14:45,137,215, G>A. VCF-style: chr14-45137215-G-A. GRCh37 (hg19) VCF-style: chr14-45606418-G-A.
Other names: c.655G>A, p.Ala219Thr (NM_001308133.2, NM_001308134.2); c.655G>A (NM_020937.2); short protein forms A219T.
Identifiers: ClinVar variation 1038913 (VCV001038913.9), dbSNP rs1300272683, ClinGen allele CA389588924.
Genomic context (GRCh38, chr14:45,137,215, plus strand): 5'-TCTAGAGGAGCTTGTCCCGCTGCTGAAATAAAGTGTTTAGTTATTGATGAAGCTCATAAA[G>A]CTCTCGGAAACTATGCTTATTGCCAGGTAATAATTTTGTTAAACGGTATTTTGTATTGTA-3'
Protein context (NP_065988.1, residues 209-229): KCLVIDEAHK[Ala219Thr]LGNYAYCQVV

ClinVar aggregate classification (germline): Uncertain significance. Review status: criteria provided, multiple submitters, no conflicts (2 of 4 stars). 2 submissions from 2 submitters: Uncertain significance (2). Last evaluated 2025-09-10.

Conditions:
Inborn genetic diseases. Identifiers: MedGen C0950123, MeSH D030342.
Fanconi anemia (FA). Also called: Fanconi's anemia. Identifiers: Orphanet 84, MedGen C0015625, MeSH D005199, MONDO:0019391.

Allele frequency attached by ClinVar (database versions not stated): gnomAD exomes below 0.00001; TOPMed below 0.00001; gnomAD 0.00003.

Submissions (2):

Ambry Genetics
Classification: Uncertain significance for Inborn genetic diseases. Last evaluated: 2025-09-10. Review status: criteria provided, single submitter. Criteria: Ambry Variant Classification Scheme 2023. Collection method: clinical testing. Allele origin: germline.
Comment: The p.A219T variant (also known as c.655G>A), located in coding exon 2 of the FANCM gene, results from a G to A substitution at nucleotide position 655. The alanine at codon 219 is replaced by threonine, an amino acid with similar properties. This amino acid position is conserved. In addition, the in silico prediction for this alteration is inconclusive. Based on the available evidence, the clinical significance of this variant remains unclear.

Labcorp Genetics (formerly Invitae), Labcorp
Classification: Uncertain significance for Fanconi anemia. Last evaluated: 2022-05-09. Review status: criteria provided, single submitter. Criteria: Invitae Variant Classification Sherloc (09022015). Collection method: clinical testing. Allele origin: germline.
Comment: ClinVar contains an entry for this variant (Variation ID: 1038913). This variant has not been reported in the literature in individuals affected with FANCM-related conditions. This variant is not present in population databases (gnomAD no frequency). This sequence change replaces alanine, which is neutral and non-polar, with threonine, which is neutral and polar, at codon 219 of the FANCM protein (p.Ala219Thr). In summary, the available evidence is currently insufficient to determine the role of this variant in disease. Therefore, it has been classified as a Variant of Uncertain Significance. Algorithms developed to predict the effect of missense changes on protein structure and function are either unavailable or do not agree on the potential impact of this missense change (SIFT: "Deleterious"; PolyPhen-2: "Probably Damaging"; Align-GVGD: "Class C0").